The following is an entry in ClinVar:

NM_012144.4(DNAI1):c.1935T>G (p.Ile645Met)

Gene: DNAI1 (dynein axonemal intermediate chain 1; plus strand). Cytogenetic location: 9p13.3.
Variant type: single nucleotide variant.
Coding change: c.1935T>G on transcript NM_012144.4 (MANE Select); coding-DNA position 1935, T replaced by G.
Protein change: p.Ile645Met; replaces isoleucine 645 with methionine.
Molecular consequence: missense variant.
Genome position (GRCh38, 1-based): chr9:34,517,401, T>G. VCF-style: chr9-34517401-T-G. GRCh37 (hg19) VCF-style: chr9-34517399-T-G.
Other names: c.1947T>G, p.Ile649Met (NM_001281428.2); short protein forms I649M, I645M.
Identifiers: ClinVar variation 1351271 (VCV001351271.4), dbSNP rs1393988058, ClinGen allele CA373266836.

ClinVar aggregate classification (germline): Uncertain significance. Review status: criteria provided, multiple submitters, no conflicts (2 of 4 stars). 2 submissions from 2 submitters: Uncertain significance (2). Last evaluated 2022-07-11.

Conditions:
Primary ciliary dyskinesia. Also called: Ciliary dyskinesia. Identifiers: Orphanet 244, MedGen C0008780, MONDO:0016575, HP:0012265.
Kartagener syndrome (CILD1). Also called: CILIARY DYSKINESIA, PRIMARY, 1; Dextrocardia bronchiectasis and sinusitis; SIEWERT SYNDROME; CILIARY DYSKINESIA, PRIMARY, 1, WITH OR WITHOUT SITUS INVERSUS; IMMOTILE CILIA SYNDROME; POLYNESIAN BRONCHIECTASIS. Identifiers: Orphanet 244, MedGen C4551906, MONDO:0009484, OMIM 244400.

gnomAD v4.1: 6 of 1,614,174 alleles (0.00037%); highest among the groups gnomAD compares: Admixed American, 0.01%; no homozygotes.

Submissions (2):

Labcorp Genetics (formerly Invitae), Labcorp
Classification: Uncertain significance for Primary ciliary dyskinesia. Last evaluated: 2022-07-11. Review status: criteria provided, single submitter. Criteria: Invitae Variant Classification Sherloc (09022015). Collection method: clinical testing. Allele origin: germline.
Comment: This sequence change replaces isoleucine, which is neutral and non-polar, with methionine, which is neutral and non-polar, at codon 645 of the DNAI1 protein (p.Ile645Met). This variant is present in population databases (no rsID available, gnomAD 0.003%). This variant has not been reported in the literature in individuals affected with DNAI1-related conditions. ClinVar contains an entry for this variant (Variation ID: 1351271). Algorithms developed to predict the effect of missense changes on protein structure and function are either unavailable or do not agree on the potential impact of this missense change (SIFT: "Tolerated"; PolyPhen-2: "Possibly Damaging"; Align-GVGD: "Class C0"). In summary, the available evidence is currently insufficient to determine the role of this variant in disease. Therefore, it has been classified as a Variant of Uncertain Significance.

Fulgent Genetics
Classification: Uncertain significance for Kartagener syndrome. Last evaluated: 2021-07-27. Review status: criteria provided, single submitter. Criteria: ACMG Guidelines, 2015. Collection method: clinical testing. Allele origin: unknown.